The following is an entry in ClinVar:

ClinVar aggregate classification (germline): Uncertain significance. Review status: criteria provided, multiple submitters, no conflicts (2 of 4 stars). 2 submissions from 2 submitters: Uncertain significance (2). Last evaluated 2024-10-15.

Conditions:
Neuronal ceroid lipofuscinosis. Also called: Neuronal Ceroid Lipofuscinoses. Identifiers: Orphanet 216, Orphanet 79263, MedGen C0027877, MONDO:0016295. Disease mechanism: loss of function.

Allele frequency attached by ClinVar (database versions not stated): TOPMed 0.00001.

Submissions (2):

Labcorp Genetics (formerly Invitae), Labcorp
Classification: Uncertain significance for Neuronal ceroid lipofuscinosis. Last evaluated: 2024-10-15. Review status: criteria provided, single submitter. Criteria: Invitae Variant Classification Sherloc (09022015). Collection method: clinical testing. Allele origin: germline.
Comment: This sequence change replaces glycine, which is neutral and non-polar, with tryptophan, which is neutral and slightly polar, at codon 8 of the CLN5 protein (p.Gly8Trp). The frequency data for this variant in the population databases is considered unreliable, as metrics indicate poor data quality at this position in the gnomAD database. This variant has not been reported in the literature in individuals affected with CLN5-related conditions. ClinVar contains an entry for this variant (Variation ID: 193341). Experimental studies and prediction algorithms are not available or were not evaluated, and the functional significance of this variant is currently unknown. In summary, the available evidence is currently insufficient to determine the role of this variant in disease. Therefore, it has been classified as a Variant of Uncertain Significance.

Eurofins Ntd Llc (ga)
Classification: Uncertain significance. Last evaluated: 2015-02-03. Review status: criteria provided, single submitter. Criteria: EGL Classification Definitions 2015. Collection method: clinical testing. Allele origin: germline. Observed: 1 variant allele, 1 heterozygote.

NC_000013.11:g.76991973G>T

Gene: CLN5 (CLN5 lysosomal BMP synthase; plus strand). Cytogenetic location: 13q22.3.
Variant type: single nucleotide variant.
Genome position: GRCh38 VCF-style: chr13-76991973-G-T. GRCh37 (hg19) VCF-style: chr13-77566108-G-T.
Identifiers: ClinVar variation 193341 (VCV000193341.8), dbSNP rs762873839, ClinGen allele CA238861.
Genomic context (GRCh38, chr13:76,991,973, plus strand): 5'-AGTGTGGAAGCCGCCGCGGGCCGGGCGCGGGGAGGTGTCATGCGCCGGAACCTGCGCTTG[G>T]GGCCAAGCTCTGGAGCTGACGCGCAGGGGCAAGGCGCCCCGCGTCCCGGACTGGCGGCTC-3'